The following is an entry in ClinVar:

ClinVar aggregate classification (germline): Conflicting classifications of pathogenicity. Review status: criteria provided, conflicting classifications (1 of 4 stars). 5 submissions from 5 submitters: Uncertain significance (1); Likely benign (3). 1 of the submissions does not count toward it. Last evaluated 2026-02-03.

Conditions:
MBD5-related disorder. Also called: MBD5-related condition.
Intellectual developmental disorder, autosomal dominant 1. Also called: Intellectual disability, autosomal dominant 1; MBD5 Haploinsufficiency. Identifiers: Orphanet 228402, MedGen C1969562, MONDO:0007974, OMIM 156200.

Allele frequency attached by ClinVar (database versions not stated): gnomAD exomes 0.00004 and 0.00008; ExAC 0.00012; gnomAD 0.00042 and 0.00047; ESP Exome Variant Server 0.00046; TOPMed 0.00046.
gnomAD v4.1: 119 of 1,612,576 alleles (0.0074%); highest among the groups gnomAD compares: African/African-American, 0.15%; no homozygotes.

Submissions (5):

Labcorp Genetics (formerly Invitae), Labcorp
Classification: Likely benign for Intellectual developmental disorder, autosomal dominant 1. Last evaluated: 2026-02-03. Review status: criteria provided, single submitter. Criteria: Invitae Variant Classification Sherloc (09022015). Collection method: clinical testing. Allele origin: germline.

Blueprint Genetics
Classification: Likely benign. Last evaluated: 2024-10-18. Review status: criteria provided, single submitter. Criteria: ACMG Guidelines, 2015. Collection method: clinical testing. Allele origin: germline.

GeneDx
Classification: Likely benign. Last evaluated: 2021-05-12. Review status: criteria provided, single submitter. Criteria: GeneDx Variant Classification Process June 2021. Collection method: clinical testing. Allele origin: germline. Affected: yes.

Mayo Clinic Laboratories, Mayo Clinic
Classification: Uncertain significance. Last evaluated: 2019-05-20. Review status: criteria provided, single submitter. Criteria: ACMG Guidelines, 2015. Collection method: clinical testing. Allele origin: germline. Observed: 1 variant allele.

PreventionGenetics, part of Exact Sciences
Classification: Likely benign for MBD5-related condition. Last evaluated: 2023-09-22. Review status: no assertion criteria provided. Collection method: clinical testing. Allele origin: germline. Not counted in ClinVar's aggregate classification.
Comment: This variant is classified as likely benign based on ACMG/AMP sequence variant interpretation guidelines (Richards et al. 2015 PMID: 25741868, with internal and published modifications).

NM_001378120.1(MBD5):c.1055C>T (p.Thr352Ile)

Gene: MBD5 (methyl-CpG binding domain protein 5; plus strand). Cytogenetic location: 2q23.1.
Variant type: single nucleotide variant.
Coding change: c.1055C>T on transcript NM_001378120.1 (MANE Select); coding-DNA position 1055, C replaced by T.
Protein change: p.Thr352Ile; replaces threonine 352 with isoleucine.
Molecular consequence: missense variant.
Genome position (GRCh38, 1-based): chr2:148,468,998, C>T. VCF-style: chr2-148468998-C-T. GRCh37 (hg19) VCF-style: chr2-149226567-C-T.
Other names: p.T352I:ACA>ATA; c.1055C>T, p.Thr352Ile (NM_018328.5); short protein forms T352I.
Identifiers: ClinVar variation 206067 (VCV000206067.21), dbSNP rs145808884, ClinGen allele CA315790.
Genomic context (GRCh38, chr2:148,468,998, plus strand): 5'-CACCCCAAGGCCCACCTCCCCCTCCTCCACCTTCTTGTGCTCTTCAGAAAAAGCCATTAA[C>T]ATCTGAGAAAGATCCACTTGGCATTCTTGACCCTATTCCTAGTAAACCAGTGAATCAGAA-3'
Protein context (NP_001365049.1, residues 342-362): PSCALQKKPL[Thr352Ile]SEKDPLGILD